The following is an entry in ClinVar:

NM_007315.4(STAT1):c.1310C>T (p.Thr437Ile)

Gene: STAT1 (signal transducer and activator of transcription 1; minus strand). Cytogenetic location: 2q32.2.
Variant type: single nucleotide variant.
Coding change: c.1310C>T on transcript NM_007315.4 (MANE Select); coding-DNA position 1310, C replaced by T.
Protein change: p.Thr437Ile; replaces threonine 437 with isoleucine.
Molecular consequence: missense variant.
Genome position (GRCh38, 1-based): chr2:190,984,347, G>A on the plus strand (C>T on the coding strand, the complement: STAT1 is on the minus strand). VCF-style: chr2-190984347-G-A. GRCh37 (hg19) VCF-style: chr2-191849073-G-A.
Other names: c.1250C>T, p.Thr417Ile (NM_001384880.1); c.1316C>T, p.Thr439Ile (NM_001384881.1, NM_001384884.1); c.1304C>T, p.Thr435Ile (NM_001384882.1); c.1211C>T, p.Thr404Ile (NM_001384883.1); c.1151C>T, p.Thr384Ile (NM_001384885.1); c.1310C>T, p.Thr437Ile (NM_001384886.1, NM_001384889.1, NM_139266.3); c.1217C>T, p.Thr406Ile (NM_001384887.1); c.1280C>T, p.Thr427Ile (NM_001384888.1); and 2 more; short protein forms T437I, T384I, T404I, T406I, T407I, T417I, T427I, T435I.
Identifiers: ClinVar variation 852805 (VCV000852805.6), dbSNP rs1692619276, ClinGen allele CA349917776.

ClinVar aggregate classification (germline): Pathogenic/Likely pathogenic. Review status: criteria provided, multiple submitters, no conflicts (2 of 4 stars). 2 submissions from 2 submitters: Pathogenic (1); Likely pathogenic (1). Last evaluated 2025-10-07.

Conditions:
Autoimmune enteropathy and endocrinopathy - susceptibility to chronic infections syndrome. Also called: Immunodeficiency 31C; Immunodeficiency 31C, autosomal dominant. Identifiers: Orphanet 391487, MedGen C3279990, MONDO:0013599, OMIM 614162.
Immunodeficiency 31B. Also called: IMMUNODEFICIENCY 31B, MYCOBACTERIAL AND VIRAL INFECTIONS, AUTOSOMAL RECESSIVE; STAT1 DEFICIENCY, AUTOSOMAL RECESSIVE. Identifiers: Orphanet 391311, MedGen C3151088, MONDO:0013427, OMIM 613796.
Mendelian susceptibility to mycobacterial diseases due to partial STAT1 deficiency. Also called: IMMUNODEFICIENCY 31A, MYCOBACTERIOSIS, AUTOSOMAL DOMINANT; STAT1 DEFICIENCY, AUTOSOMAL DOMINANT; Immunodeficiency 31a. Identifiers: Orphanet 319595, MedGen C4013950, MONDO:0013956, OMIM 614892.

Submissions (2):

Variantyx, Inc.
Classification: Likely pathogenic for Immunodeficiency 31B. Last evaluated: 2025-10-07. Review status: criteria provided, single submitter. Criteria: Variantyx Assertion Criteria 2022. Collection method: clinical testing. Allele origin: de novo. Inheritance: Autosomal dominant inheritance. Affected: yes.
Comment: This is a nonsynonymous variant in the STAT1 gene (OMIM: 600555). Pathogenic variants in this gene have been associated with autosomal dominant immunodeficiency-31C. This variant likely occurred de novo in an individual reported in the published literature; however, the possibility of parental germline mosaicism cannot be excluded (PMID: 27808400) (PS2_Supporting). Functional studies have shown that this variant alters STAT1 protein function (PMID: 27808400) (PS3). This variant lies within a known hotspot for pathogenic variants or a well-established critical functional domain of the STAT1 protein (PMID: 34738677) (PM1). Multiple computational algorithms predict a deleterious effect for this variant (REVEL score: 0.876) (PP3). This variant has been reported in the heterozygous state in at least 2 unrelated affected individuals (PMID: 34390440, 27808400), but it s absent from control populations (PM2). Based on the current evidence, this variant is classified as likely pathogenic for autosomal dominant immunodeficiency-31C.

Labcorp Genetics (formerly Invitae), Labcorp
Classification: Pathogenic for Mendelian susceptibility to mycobacterial diseases due to partial STAT1 deficiency; Immunodeficiency 31B; Autoimmune enteropathy and endocrinopathy - susceptibility to chronic infections syndrome. Last evaluated: 2025-04-14. Review status: criteria provided, single submitter. Criteria: Invitae Variant Classification Sherloc (09022015). Collection method: clinical testing. Allele origin: germline.
Comment: This sequence change replaces threonine, which is neutral and polar, with isoleucine, which is neutral and non-polar, at codon 437 of the STAT1 protein (p.Thr437Ile). This variant is not present in population databases (gnomAD no frequency). This missense change has been observed in individual(s) with chronic mucocutaneous candidiasis (PMID: 27808400; internal data). In at least one individual the variant was observed to be de novo. ClinVar contains an entry for this variant (Variation ID: 852805). An algorithm developed to predict the effect of missense changes on protein structure and function (PolyPhen-2) suggests that this variant is likely to be disruptive. For these reasons, this variant has been classified as Pathogenic.

Literature cited by the submitters: PubMed 27808400 (cited by Variantyx, Inc. and Labcorp Genetics (formerly Invitae), Labcorp); PubMed 34738677 (cited by Variantyx, Inc.).